The following is an entry in ClinVar:

ClinVar aggregate classification (germline): Conflicting classifications of pathogenicity. Review status: criteria provided, conflicting classifications (1 of 4 stars). 4 submissions from 4 submitters: Likely pathogenic (2); Uncertain significance (1). 1 of the submissions does not count toward it. Last evaluated 2025-10-22.

Conditions:
Ellis-van Creveld syndrome (EVC). Also called: Chondroectodermal dysplasia; MESOECTODERMAL DYSPLASIA. Identifiers: Orphanet 289, MedGen C0013903, MONDO:0009162, OMIM 225500.
EVC-related disorder. Also called: EVC-related condition; EVC-related disorders.

Submissions (4):

Natera, Inc.
Classification: Likely pathogenic for Ellis-van Creveld syndrome. Last evaluated: 2025-10-22. Review status: criteria provided, single submitter. Criteria: Natera Variant Classification Schema (03/2026). Collection method: clinical testing. Allele origin: germline.
Comment: The c.2829_2830delAG variant in EVC is a frameshift variant predicted to shift the reading frame beginning at codon 945 and leads to a stop codon 7 codons downstream. This variant is expected to result in nonsense mediated decay, truncation, or a dysfunctional protein product. This variant is rare in the general population with a frequency below the threshold expected for the associated phenotype(s). Given the available evidence, this variant is classified as Likely Pathogenic.

GeneDx
Classification: Uncertain significance. Last evaluated: 2022-03-30. Review status: criteria provided, single submitter. Criteria: GeneDx Variant Classification Process June 2021. Collection method: clinical testing. Allele origin: germline. Affected: yes.
Comment: Frameshift variant predicted to result in protein truncation, as the last 48 amino acids are replaced with 6 different amino acids, and other loss-of-function variants have been reported downstream in HGMD; Has not been previously published as pathogenic or benign to our knowledge

Blueprint Genetics
Classification: Likely pathogenic for EVC-related disorders. Last evaluated: 2019-09-24. Review status: criteria provided, single submitter. Criteria: ACMG Guidelines, 2015. Collection method: clinical testing. Allele origin: germline. Affected: yes. Observed: 2 variant alleles.

Counsyl
Classification: Uncertain significance for Ellis-van Creveld syndrome. Last evaluated: 2017-08-22. Review status: no assertion criteria provided. Collection method: clinical testing. Allele origin: unknown. Not counted in ClinVar's aggregate classification.

NM_153717.3(EVC):c.2829_2830del (p.Asp945fs)

Gene: EVC (EvC ciliary complex subunit 1; plus strand). Cytogenetic location: 4p16.2.
Variant type: Microsatellite.
Coding change: c.2829_2830del on transcript NM_153717.3 (MANE Select); coding-DNA positions 2829 to 2830, 2 bases deleted (AG; older notation c.2829_2830delAG).
Protein change: p.Asp945fs; shifts the reading frame from aspartic acid 945.
Molecular consequence: frameshift variant.
Genome position (GRCh38, 1-based): chr4:5,810,385-5,810,386, AG deleted; deleting any 2 consecutive bases within chr4:5,810,383-5,810,386 gives the same sequence; the c. name uses the placement nearest the transcript's 3' end. VCF-style (leftmost placement, unchanged base first): chr4-5810382-AAG-A. GRCh37 (hg19) VCF-style: chr4-5812109-AAG-A.
Other names: c.2829_2830delAG (NM_153717.2); c.2829_2830del, p.Asp945fs (NM_001306090.2); short protein forms D945fs.
Identifiers: ClinVar variation 553456 (VCV000553456.6), dbSNP rs1460851298, ClinGen allele CA549409004.